The following is an entry in ClinVar:

NM_178857.6(RP1L1):c.3436C>T (p.Arg1146Trp)

Gene: RP1L1 (RP1 like 1). Cytogenetic location: 8p23.1.
Variant type: single nucleotide variant.
Coding change: c.3436C>T on transcript NM_178857.6 (MANE Select); coding-DNA position 3436, C replaced by T.
Protein change: p.Arg1146Trp; replaces arginine 1146 with tryptophan.
Molecular consequence: missense variant.
Genome position (GRCh38, 1-based): chr8:10,610,662, G>A on the plus strand (C>T on the coding strand, the complement: RP1L1 is on the minus strand). VCF-style: chr8-10610662-G-A. GRCh37 (hg19) VCF-style: chr8-10468172-G-A.
Other names: short protein forms R1146W.
Identifiers: ClinVar variation 361309 (VCV000361309.16), dbSNP rs4840502, ClinGen allele CA4624490.
Genomic context (GRCh38, chr8:10,610,662, plus strand): 5'-CTTCCCCAACGTCACATCCTGGCCACAGGTCCTTCGAGATGCTGAGCAGCTCCTGGTACC[G>A]AGGGGAGTCTTTGAACCTCACTTTGCTGGCAGGAGACCCAAGGTCTTCCTCAAATAACTG-3'
Protein context (NP_849188.4, residues 1136-1156): ASKVRFKDSP[Arg1146Trp]YQELLSISKD

ClinVar aggregate classification (germline): Benign. Review status: criteria provided, multiple submitters, no conflicts (2 of 4 stars). 8 submissions from 7 submitters: Benign (6). 2 of the submissions do not count toward it. Last evaluated 2023-10-01.

Conditions:
Occult macular dystrophy (OCMD). Also called: OMD; OCCULT MACULAR DYSTROPHY, SUSCEPTIBILITY TO. Identifiers: Orphanet 247834, MedGen C3150833, MONDO:0013316, OMIM 613587, HP:0030636.
Retinitis pigmentosa 88. Identifiers: MedGen C5394208, MONDO:0032940, OMIM 618826.
Retinal dystrophy. Also called: Inherited retinal dystrophy. Identifiers: Orphanet 71862, MedGen C0854723, MeSH D058499, MONDO:0019118, HP:0000556.

Allele frequency attached by ClinVar (database versions not stated): TOPMed 0.69694; gnomAD 0.70110 and 0.70440; ESP Exome Variant Server 0.70705; 1000 Genomes Project 30x 0.70753; 1000 Genomes Project 0.70807; ExAC 0.73087; gnomAD exomes 0.73319.
gnomAD v4.1: 1,165,437 of 1,613,468 alleles (72%); highest among the groups gnomAD compares: South Asian, 82%; 422,093 homozygotes.

Submissions (8):

Dept Of Ophthalmology, Nagoya University
Classification: Benign for Retinal dystrophy. Last evaluated: 2023-10-01. Review status: criteria provided, single submitter. Criteria: Submitter's publication. Collection method: research. Allele origin: germline. Affected: yes.

Genome-Nilou Lab
Classification: Benign for Occult macular dystrophy. Last evaluated: 2021-11-07. Review status: criteria provided, single submitter. Criteria: ACMG Guidelines, 2015. Collection method: clinical testing. Allele origin: germline. Affected: no.

Genome-Nilou Lab
Classification: Benign for Retinitis pigmentosa 88. Last evaluated: 2021-11-07. Review status: criteria provided, single submitter. Criteria: ACMG Guidelines, 2015. Collection method: clinical testing. Allele origin: germline. Affected: no.

GeneDx
Classification: Benign. Last evaluated: 2019-09-12. Review status: criteria provided, single submitter. Criteria: GeneDx Variant Classification Process June 2021. Collection method: clinical testing. Allele origin: germline. Affected: yes.

Illumina Laboratory Services, Illumina
Classification: Benign for Occult macular dystrophy. Last evaluated: 2018-01-13. Review status: criteria provided, single submitter. Criteria: ICSL Variant Classification Criteria 13 December 2019. Collection method: clinical testing. Allele origin: germline.
Comment: This variant was observed in the ICSL laboratory as part of a predisposition screen in an ostensibly healthy population. It had not been previously curated by ICSL or reported in the Human Gene Mutation Database (HGMD: prior to June 1st, 2018), and was therefore a candidate for classification through an automated scoring system. Utilizing variant allele frequency, disease prevalence and penetrance estimates, and inheritance mode, an automated score was calculated to assess if this variant is too frequent to cause the disease. Based on the score and internal cut-off values, a variant classified as benign is not then subjected to further curation. The score for this variant resulted in a classification of benign for this disease.

Breakthrough Genomics
Classification: Benign. Review status: criteria provided, single submitter. Criteria: ACMG Guidelines, 2015. Collection method: not provided. Allele origin: germline. Inheritance: Autosomal recessive inheritance. Affected: yes.

Diagnostic Laboratory, Department of Genetics, University Medical Center Groningen
Classification: Benign. Review status: no assertion criteria provided. Collection method: clinical testing. Allele origin: germline. Affected: yes. Study: VKGL Data-share Consensus. Not counted in ClinVar's aggregate classification.

Joint Genome Diagnostic Labs from Nijmegen and Maastricht, Radboudumc and MUMC+
Classification: Benign. Review status: no assertion criteria provided. Collection method: clinical testing. Allele origin: germline. Affected: yes. Study: VKGL Data-share Consensus. Not counted in ClinVar's aggregate classification.